The following is an entry in ClinVar:

ClinVar aggregate classification (germline): Likely pathogenic (1 of 4 stars; one submission).

Conditions:
Sulfite oxidase deficiency. Also called: Isolated sulfite oxidase deficiency. Identifiers: Orphanet 833, Orphanet 99731, MedGen C0268624, MONDO:0010089, OMIM 272300, HP:0003643.

Submission:

Johns Hopkins Genomics, Johns Hopkins University
Classification: Likely pathogenic for Sulfite oxidase deficiency. Last evaluated: 2019-12-05. Review status: criteria provided, single submitter. Criteria: ACMG Guidelines, 2015. Collection method: clinical testing. Allele origin: germline.
Comment: This SUOX variant is absent from a large population dataset and has not been reported in the literature, to our knowledge. This frameshift variant is predicted to lead to a premature stop codon in the last exon of the gene, likely escaping nonsense-mediated decay and resulting in a truncated protein product. Critical molybdopterin binding sites, which have an important role in the function of sulfite oxidase, are predicted to be missing from the truncated protein. Truncating variants downstream of p.Glu271Ter have been reported in individuals diagnosed with sulfite oxidase deficiency. We consider this variant to be likely pathogenic.

NM_001032386.2(SUOX):c.810dup (p.Glu271Ter)

Gene: SUOX (sulfite oxidase; plus strand). Cytogenetic location: 12q13.2.
Variant type: Duplication.
Coding change: c.810dup on transcript NM_001032386.2 (MANE Select); coding-DNA position 810, one base duplicated (T; older notation c.810dupT).
Protein change: p.Glu271Ter; replaces glutamic acid 271 with a stop codon.
Molecular consequence: nonsense.
Genome position (GRCh38, 1-based): chr12:56,004,199, T duplicated. VCF-style (leftmost placement, unchanged base first): chr12-56004198-C-CT. GRCh37 (hg19) VCF-style: chr12-56397982-C-CT.
Other names: c.810dup, p.Glu271Ter (NM_000456.3, NM_001032387.2); c.810dupT (NM_001032386.2); short protein forms E271*.
Identifiers: ClinVar variation 978451 (VCV000978451.2), dbSNP rs1890647333, ClinGen allele CA1139662732.